The following is an entry in ClinVar:

ClinVar aggregate classification (germline): Pathogenic (1 of 4 stars; one submission).

Allele frequency attached by ClinVar (database versions not stated): gnomAD 0.00001.
gnomAD v4.1: 3 of 1,613,642 alleles (0.00019%); highest among the groups gnomAD compares: East Asian, 0.0022%; no homozygotes.

Submission:

Labcorp Genetics (formerly Invitae), Labcorp
Classification: Pathogenic. Last evaluated: 2021-12-13. Review status: criteria provided, single submitter. Criteria: Invitae Variant Classification Sherloc (09022015). Collection method: clinical testing. Allele origin: germline.
Comment: For these reasons, this variant has been classified as Pathogenic. Algorithms developed to predict the effect of sequence changes on RNA splicing suggest that this variant may disrupt the consensus splice site. Disruption of this splice site has been observed in individual(s) with infantile hypercalcemia (PMID: 30633617). In at least one individual the data is consistent with being in trans (on the opposite chromosome) from a pathogenic variant. This variant is present in population databases (no rsID available, gnomAD 0.06%). This sequence change affects a donor splice site in intron 2 of the CYP24A1 gene. It is expected to disrupt RNA splicing. Variants that disrupt the donor or acceptor splice site typically lead to a loss of protein function (PMID: 16199547), and loss-of-function variants in CYP24A1 are known to be pathogenic (PMID: 21675912).

Literature cited by the submitters: PubMed 30633617; PubMed 16199547; PubMed 21675912.

NM_000782.5(CYP24A1):c.449+1G>T

Gene: CYP24A1 (cytochrome P450 family 24 subfamily A member 1; minus strand). Cytogenetic location: 20q13.2.
Variant type: single nucleotide variant.
Coding change: c.449+1G>T on transcript NM_000782.5 (MANE Select); the canonical splice donor site of the intron after coding-DNA position 449, G replaced by T.
Molecular consequence: splice donor variant.
Genome position (GRCh38, 1-based): chr20:54,172,908, C>A on the plus strand (G>T on the coding strand, the complement: CYP24A1 is on the minus strand). VCF-style: chr20-54172908-C-A. GRCh37 (hg19) VCF-style: chr20-52789447-C-A.
Other names: c.449+1G>T (NM_001128915.2).
Identifiers: ClinVar variation 2159550 (VCV002159550.4), dbSNP rs777927687, ClinGen allele CA409392822.
Genomic context (GRCh38, chr20:54,172,908, plus strand): 5'-CCAGGCGCCGTCAGGCTCATCAGGTCTGGCCGCATGCCCAGGTCCCTCGGATTGGACTCA[C>A]AGGATCAGCAGCCCGTAGCCTTCTTTGCGGTAGTCGCGATAGGCCTTCCACGGTTTGATC-3'